The following is an entry in ClinVar:

ClinVar aggregate classification (germline): Likely pathogenic (1 of 4 stars; one submission).

Submission:

Labcorp Genetics (formerly Invitae), Labcorp
Classification: Likely pathogenic. Last evaluated: 2024-07-15. Review status: criteria provided, single submitter. Criteria: Invitae Variant Classification Sherloc (09022015). Collection method: clinical testing. Allele origin: germline.
Comment: This variant results in the deletion of c.5103_5173+29del of the POLE gene. It is expected to disrupt RNA splicing. Variants that disrupt the donor or acceptor splice site typically lead to a loss of protein function (PMID: 16199547), and loss-of-function variants in POLE are known to be pathogenic (PMID: 23230001, 25948378, 30503519). This variant is not present in population databases (gnomAD no frequency). This variant has not been reported in the literature in individuals affected with POLE-related conditions. ClinVar contains an entry for this variant (Variation ID: 579102). Algorithms developed to predict the effect of sequence changes on RNA splicing suggest that this variant may disrupt the consensus splice site. In summary, the currently available evidence indicates that the variant is pathogenic, but additional data are needed to prove that conclusively. Therefore, this variant has been classified as Likely Pathogenic.

Literature cited by the submitters: PubMed 16199547; PubMed 23230001; PubMed 25948378; PubMed 30503519.

NM_006231.4(POLE):c.5103_5173+29del

Gene: POLE (DNA polymerase epsilon, catalytic subunit; minus strand). Cytogenetic location: 12q24.33.
Variant type: Deletion.
Coding change: c.5103_5173+29del on transcript NM_006231.4 (MANE Select); coding-DNA position 5103 through 29 bases into the intron after coding-DNA position 5173, 100 bases deleted.
Molecular consequence: splice donor variant.
Genome position (GRCh38, 1-based): chr12:132,642,148-132,642,247, 100 bases deleted. GRCh37 (hg19): chr12:133,218,738-133,218,837.
Other names: c.5103_5173+29delCAACTGTCTTGTCATGGAGTTCGATGACCAAGCCACTGTTGAGATCAACAGTTCAGGCTGTTACTCCACAGGTAAGTGGGCGGGAGGACGAGGCCCATGA (NM_006231.3).
Identifiers: ClinVar variation 579102 (VCV000579102.8), dbSNP rs1565936576, ClinGen allele CA891843960.